The following is an entry in ClinVar:

NM_144672.4(OTOA):c.1448C>A (p.Ser483Tyr)

Gene: OTOA (otoancorin). Cytogenetic location: 16p12.2.
Variant type: single nucleotide variant.
Coding change: c.1448C>A on transcript NM_144672.4 (MANE Select); coding-DNA position 1448, C replaced by A.
Protein change: p.Ser483Tyr; replaces serine 483 with tyrosine.
Molecular consequence: missense variant.
Genome position (GRCh38, 1-based): chr16:21,715,112, C>A. VCF-style: chr16-21715112-C-A. GRCh37 (hg19) VCF-style: chr16-21726433-C-A.
Other names: c.1211C>A, p.Ser404Tyr (NM_001161683.2); c.476C>A, p.Ser159Tyr (NM_170664.3); short protein forms S159Y, S404Y, S483Y.
Identifiers: ClinVar variation 1517966 (VCV001517966.5), dbSNP rs374057233, ClinGen allele CA7952636.

ClinVar aggregate classification (germline): Uncertain significance (1 of 4 stars; one submission).

Allele frequency attached by ClinVar (database versions not stated): gnomAD 0.00004; ESP Exome Variant Server 0.00008; ExAC 0.00001; gnomAD exomes 0.00001; TOPMed 0.00003.
gnomAD v4.1: 9 of 1,614,086 alleles (0.00056%); highest among the groups gnomAD compares: African/African-American, 0.0093%; no homozygotes.

Submission:

Labcorp Genetics (formerly Invitae), Labcorp
Classification: Uncertain significance. Last evaluated: 2024-10-26. Review status: criteria provided, single submitter. Criteria: Invitae Variant Classification Sherloc (09022015). Collection method: clinical testing. Allele origin: germline.
Comment: This sequence change replaces serine, which is neutral and polar, with tyrosine, which is neutral and polar, at codon 483 of the OTOA protein (p.Ser483Tyr). This variant is present in population databases (rs374057233, gnomAD 0.01%). This variant has not been reported in the literature in individuals affected with OTOA-related conditions. ClinVar contains an entry for this variant (Variation ID: 1517966). An algorithm developed to predict the effect of missense changes on protein structure and function (PolyPhen-2) suggests that this variant is likely to be tolerated. In summary, the available evidence is currently insufficient to determine the role of this variant in disease. Therefore, it has been classified as a Variant of Uncertain Significance.